The following is an entry in ClinVar:

ClinVar aggregate classification (germline): Uncertain significance (1 of 4 stars; one submission).

Conditions:
Hereditary cancer-predisposing syndrome. Also called: Neoplastic Syndromes, Hereditary; Tumor predisposition; Hereditary neoplastic syndrome; Hereditary Cancer Syndrome. Identifiers: Orphanet 140162, MedGen C0027672, MeSH D009386, MONDO:0015356.

Submission:

Ambry Genetics
Classification: Uncertain significance for Hereditary cancer-predisposing syndrome. Last evaluated: 2023-12-10. Review status: criteria provided, single submitter. Criteria: Ambry Variant Classification Scheme 2023. Collection method: clinical testing. Allele origin: germline.
Comment: The p.N718D variant (also known as c.2152A>G), located in coding exon 11 of the BARD1 gene, results from an A to G substitution at nucleotide position 2152. The asparagine at codon 718 is replaced by aspartic acid, an amino acid with highly similar properties. This amino acid position is conserved. In addition, this alteration is predicted to be tolerated by in silico analysis. Since supporting evidence is limited at this time, the clinical significance of this alteration remains unclear.

NM_000465.4(BARD1):c.2152A>G (p.Asn718Asp)

Gene: BARD1 (BRCA1 associated RING domain 1; minus strand). Cytogenetic location: 2q35.
Variant type: single nucleotide variant.
Coding change: c.2152A>G on transcript NM_000465.4 (MANE Select); coding-DNA position 2152, A replaced by G.
Protein change: p.Asn718Asp; replaces asparagine 718 with aspartic acid.
Molecular consequence: missense variant. On other transcripts: non-coding transcript variant (3).
Genome position (GRCh38, 1-based): chr2:214,728,858, T>C on the plus strand (A>G on the coding strand, the complement: BARD1 is on the minus strand). VCF-style: chr2-214728858-T-C. GRCh37 (hg19) VCF-style: chr2-215593582-T-C.
Other names: c.2095A>G, p.Asn699Asp (NM_001282543.2); c.799A>G, p.Asn267Asp (NM_001282545.2); c.742A>G, p.Asn248Asp (NM_001282548.2); c.613A>G, p.Asn205Asp (NM_001282549.2); short protein forms N205D, N248D, N267D, N699D, N718D.
Identifiers: ClinVar variation 3231789 (VCV003231789.1), dbSNP rs2469269708, ClinGen allele CA350450462.